The following is an entry in ClinVar:

NM_017654.4(SAMD9):c.3275T>C (p.Phe1092Ser)

Gene: SAMD9 (sterile alpha motif domain containing 9; minus strand). Cytogenetic location: 7q21.2.
Variant type: single nucleotide variant.
Coding change: c.3275T>C on transcript NM_017654.4 (MANE Select); coding-DNA position 3275, T replaced by C.
Protein change: p.Phe1092Ser; replaces phenylalanine 1092 with serine.
Molecular consequence: missense variant.
Genome position (GRCh38, 1-based): chr7:93,102,823, A>G on the plus strand (T>C on the coding strand, the complement: SAMD9 is on the minus strand). VCF-style: chr7-93102823-A-G. GRCh37 (hg19) VCF-style: chr7-92732136-A-G.
Other names: c.3275T>C, p.Phe1092Ser (NM_001193307.2); short protein forms F1092S.
Identifiers: ClinVar variation 2831690 (VCV002831690.3), dbSNP rs2535356137, ClinGen allele CA368186079.

ClinVar aggregate classification (germline): Uncertain significance (1 of 4 stars; one submission).

Submission:

Labcorp Genetics (formerly Invitae), Labcorp
Classification: Uncertain significance. Last evaluated: 2023-01-24. Review status: criteria provided, single submitter. Criteria: Invitae Variant Classification Sherloc (09022015). Collection method: clinical testing. Allele origin: germline.
Comment: This sequence change replaces phenylalanine, which is neutral and non-polar, with serine, which is neutral and polar, at codon 1092 of the SAMD9 protein (p.Phe1092Ser). This variant is not present in population databases (gnomAD no frequency). This variant has not been reported in the literature in individuals affected with SAMD9-related conditions. Advanced modeling of protein sequence and biophysical properties (such as structural, functional, and spatial information, amino acid conservation, physicochemical variation, residue mobility, and thermodynamic stability) has been performed at Invitae for this missense variant, however the output from this modeling did not meet the statistical confidence thresholds required to predict the impact of this variant on SAMD9 protein function. In summary, the available evidence is currently insufficient to determine the role of this variant in disease. Therefore, it has been classified as a Variant of Uncertain Significance.